The following is an entry in ClinVar:

ClinVar aggregate classification (germline): Uncertain significance (1 of 4 stars; one submission).

Allele frequency attached by ClinVar (database versions not stated): ExAC 0.00006; gnomAD exomes 0.00007 and 0.00005; TOPMed 0.00009; gnomAD 0.00004.
gnomAD v4.1: 81 of 1,614,050 alleles (0.005%); highest among the groups gnomAD compares: Middle Eastern, 0.033%; no homozygotes.

Submission:

Labcorp Genetics (formerly Invitae), Labcorp
Classification: Uncertain significance. Last evaluated: 2025-08-11. Review status: criteria provided, single submitter. Criteria: Invitae Variant Classification Sherloc (09022015). Collection method: clinical testing. Allele origin: germline.
Comment: This sequence change replaces lysine, which is basic and polar, with arginine, which is basic and polar, at codon 243 of the HTRA1 protein (p.Lys243Arg). The frequency data for this variant in the population databases is considered unreliable, as metrics indicate poor data quality at this position in the gnomAD database. This variant has not been reported in the literature in individuals affected with HTRA1-related conditions. ClinVar contains an entry for this variant (Variation ID: 1497979). Invitae Evidence Modeling of protein sequence and biophysical properties (such as structural, functional, and spatial information, amino acid conservation, physicochemical variation, residue mobility, and thermodynamic stability) indicates that this missense variant is not expected to disrupt HTRA1 protein function with a negative predictive value of 95%. In summary, the available evidence is currently insufficient to determine the role of this variant in disease. Therefore, it has been classified as a Variant of Uncertain Significance.

NM_002775.5(HTRA1):c.728A>G (p.Lys243Arg)

Gene: HTRA1 (HtrA serine peptidase 1; plus strand). Cytogenetic location: 10q26.13.
Variant type: single nucleotide variant.
Coding change: c.728A>G on transcript NM_002775.5 (MANE Select); coding-DNA position 728, A replaced by G.
Protein change: p.Lys243Arg; replaces lysine 243 with arginine.
Molecular consequence: missense variant.
Genome position (GRCh38, 1-based): chr10:122,489,577, A>G. VCF-style: chr10-122489577-A-G. GRCh37 (hg19) VCF-style: chr10-124249093-A-G.
Other names: short protein forms K243R.
Identifiers: ClinVar variation 1497979 (VCV001497979.6), dbSNP rs747031076, ClinGen allele CA5725900.
Genomic context (GRCh38, chr10:122,489,577, plus strand): 5'-CCAACAAGCACCGGGTCAAAGTTGAGCTGAAGAACGGTGCCACTTACGAAGCCAAAATCA[A>G]GGATGTGGATGAGAAAGCAGACATCGCACTCATCAAAATTGACCACCAGGTAAGGGTGTT-3'
Protein context (NP_002766.1, residues 233-253): KNGATYEAKI[Lys243Arg]DVDEKADIAL